The following is an entry in ClinVar:

NM_005739.4(RASGRP1):c.920C>T (p.Ser307Leu)

Gene: RASGRP1 (RAS guanyl releasing protein 1; minus strand). Cytogenetic location: 15q14.
Variant type: single nucleotide variant.
Coding change: c.920C>T on transcript NM_005739.4 (MANE Select); coding-DNA position 920, C replaced by T.
Protein change: p.Ser307Leu; replaces serine 307 with leucine.
Molecular consequence: missense variant.
Genome position (GRCh38, 1-based): chr15:38,511,650, G>A on the plus strand (C>T on the coding strand, the complement: RASGRP1 is on the minus strand). VCF-style: chr15-38511650-G-A. GRCh37 (hg19) VCF-style: chr15-38803851-G-A.
Other names: c.920C>T, p.Ser307Leu (NM_001128602.2, NM_001306086.2); short protein forms S307L.
Identifiers: ClinVar variation 1338115 (VCV001338115.4), dbSNP rs1407319895, ClinGen allele CA391650914.

ClinVar aggregate classification (germline): Uncertain significance (1 of 4 stars; one submission).

Allele frequency attached by ClinVar (database versions not stated): gnomAD exomes below 0.00001.
gnomAD v4.1: 3 of 1,613,548 alleles (0.00019%); highest among the groups gnomAD compares: Non-Finnish European, 0.00025%; no homozygotes.

Submission:

Genetic Services Laboratory, University of Chicago
Classification: Uncertain significance. Last evaluated: 2021-10-11. Review status: criteria provided, single submitter. Criteria: ACMG Guidelines, 2015. Collection method: clinical testing. Allele origin: germline. Affected: no.
Comment: DNA sequence analysis of the RASGRP1 gene demonstrated a sequence change, c.920C>T, in exon 8 that results in an amino acid change, p.Ser307Leu. This sequence change does not appear to have been previously described in individuals with RASGRP1-related disorders. This sequence change has been described in the gnomAD database in one individual which corresponds to a population frequency of 0.00040 % (dbSNP rs1407319895). The p.Ser307Leu change affects a highly conserved amino acid residue located in a domain of the RASGRP1 protein that is not known to be functional. The p.Ser307Leu substitution appears to be deleterious using several in-silico pathogenicity prediction tools (SIFT, PolyPhen2, Align GVGD, REVEL). Due to insufficient evidence and the lack of functional studies, the clinical significance of the p.Ser307Leu change remains unknown at this time.